The following is an entry in ClinVar:

NM_006892.4(DNMT3B):c.433-12T>A

Gene: DNMT3B (DNA methyltransferase 3 beta; plus strand). Cytogenetic location: 20q11.21.
Variant type: single nucleotide variant.
Coding change: c.433-12T>A on transcript NM_006892.4 (MANE Select); 12 bases into the intron before coding-DNA position 433, T replaced by A.
Molecular consequence: intron variant.
Genome position (GRCh38, 1-based): chr20:32,787,218, T>A. VCF-style: chr20-32787218-T-A. GRCh37 (hg19) VCF-style: chr20-31375024-T-A.
Other names: c.433-12T>A (NM_001424351.1, NM_001424355.1, NM_175848.2 and 2 more transcripts); c.307-12T>A (NM_001424352.1, NM_001424356.1, NM_001424358.1 and 3 more transcripts); c.205-12T>A (NM_001207056.2); c.469-12T>A (NM_175850.3, NM_001424359.1); c.343-12T>A (NM_001424360.1).
Identifiers: ClinVar variation 5006369 (VCV005006369.2).

ClinVar aggregate classification (germline): Uncertain significance (1 of 4 stars; one submission).

Conditions:
Facioscapulohumeral muscular dystrophy 4, digenic. Identifiers: MedGen C5561960, MONDO:0030355, OMIM 619478.
Immunodeficiency-centromeric instability-facial anomalies syndrome 1 (ICF1). Identifiers: Orphanet 2268, MedGen C4551557, MONDO:0009454, OMIM 242860.

Submission:

Juno Genomics, Hangzhou Juno Genomics, Inc
Classification: Uncertain significance for Facioscapulohumeral muscular dystrophy 4, digenic; Immunodeficiency-centromeric instability-facial anomalies syndrome 1. Review status: criteria provided, single submitter. Criteria: ACMG Guidelines, 2015. Collection method: clinical testing. Allele origin: germline.
Comment: Absent from controls (or at extremely low frequency if recessive) in Genome Aggregation Database.;Multiple lines of computational evidence support a deleterious effect on the gene or gene product.